The following is an entry in ClinVar:

NM_021942.6(TRAPPC11):c.488A>G (p.Asn163Ser)

Gene: TRAPPC11 (trafficking protein particle complex subunit 11; plus strand). Cytogenetic location: 4q35.1.
Variant type: single nucleotide variant.
Coding change: c.488A>G on transcript NM_021942.6 (MANE Select); coding-DNA position 488, A replaced by G.
Protein change: p.Asn163Ser; replaces asparagine 163 with serine.
Molecular consequence: missense variant.
Genome position (GRCh38, 1-based): chr4:183,668,045, A>G. VCF-style: chr4-183668045-A-G. GRCh37 (hg19) VCF-style: chr4-184589198-A-G.
Other names: c.488A>G, p.Asn163Ser (NM_199053.3); c.488A>G (NM_021942.4); short protein forms N163S.
Identifiers: ClinVar variation 3384504 (VCV003384504.2).

ClinVar aggregate classification (germline): Uncertain significance. Review status: criteria provided, multiple submitters, no conflicts (2 of 4 stars). 2 submissions from 2 submitters: Uncertain significance (2). Last evaluated 2025-10-18.

Conditions:
Inborn genetic diseases. Identifiers: MedGen C0950123, MeSH D030342.

Submissions (2):

Ambry Genetics
Classification: Uncertain significance for Inborn genetic diseases. Last evaluated: 2025-10-18. Review status: criteria provided, single submitter. Criteria: Ambry Variant Classification Scheme 2023. Collection method: clinical testing. Allele origin: germline.

GeneDx
Classification: Uncertain significance. Last evaluated: 2024-06-02. Review status: criteria provided, single submitter. Criteria: GeneDx Variant Classification Process June 2021. Collection method: clinical testing. Allele origin: germline. Affected: yes.
Comment: Not observed at significant frequency in large population cohorts (gnomAD); In silico analysis indicates that this missense variant does not alter protein structure/function; Has not been previously published as pathogenic or benign to our knowledge